The following is an entry in ClinVar:

NM_003128.3(SPTBN1):c.32A>G (p.Asn11Ser)

Genes: SPTBN1 (spectrin beta, non-erythrocytic 1; plus strand), SPTBN1-AS1 (SPTBN1 antisense RNA 1; minus strand). Cytogenetic location: 2p16.2.
Variant type: single nucleotide variant.
Coding change: c.32A>G on transcript NM_003128.3 (MANE Select); coding-DNA position 32, A replaced by G.
Protein change: p.Asn11Ser; replaces asparagine 11 with serine.
Molecular consequence: missense variant.
Genome position (GRCh38, 1-based): chr2:54,526,450, A>G. VCF-style: chr2-54526450-A-G. GRCh37 (hg19) VCF-style: chr2-54753587-A-G.
Other names: short protein forms N11S.
Identifiers: ClinVar variation 3027076 (VCV003027076.22), dbSNP rs1670821258, ClinGen allele CA346853110.

ClinVar aggregate classification (germline): Uncertain significance (1 of 4 stars; one submission).

Allele frequency attached by ClinVar (database versions not stated): gnomAD exomes below 0.00001; TOPMed below 0.00001.
gnomAD v4.1: 4 of 1,614,216 alleles (0.00025%); highest among the groups gnomAD compares: Admixed American, 0.0033%; no homozygotes.

Submission:

CeGaT Center for Human Genetics Tuebingen
Classification: Uncertain significance. Last evaluated: 2024-01-01. Review status: criteria provided, single submitter. Criteria: CeGaT Center For Human Genetics Tuebingen Variant Classification Criteria Version 2. Collection method: clinical testing. Allele origin: germline. Affected: yes. Observed: 1 variant allele.
Comment: SPTBN1: PM2, PP2